The following is an entry in ClinVar:

NM_201384.3(PLEC):c.33C>T (p.Pro11=)

Genes: PLEC (plectin; minus strand), LOC130001338 (ATAC-STARR-seq lymphoblastoid active region 28078; plus strand). Cytogenetic location: 8q24.3.
Variant type: single nucleotide variant.
Coding change: c.33C>T on transcript NM_201384.3 (MANE Select); coding-DNA position 33, C replaced by T.
Protein change: p.Pro11=; no amino-acid change (proline 11 retained).
Molecular consequence: synonymous variant. On other transcripts: intron variant (7).
Genome position (GRCh38, 1-based): chr8:143,939,429, G>A on the plus strand (C>T on the coding strand, the complement: PLEC is on the minus strand). VCF-style: chr8-143939429-G-A. GRCh37 (hg19) VCF-style: chr8-145013597-G-A.
Other names: c.194-737C>T (NM_000445.5); c.71-737C>T (NM_201378.4); c.47-737C>T (NM_201379.3); c.524-737C>T (NM_201380.4); c.17-737C>T (NM_201381.3); c.113-737C>T (NM_201382.4); c.125-737C>T (NM_201383.3).
Identifiers: ClinVar variation 586330 (VCV000586330.26), dbSNP rs782425242, ClinGen allele CA4928689.

ClinVar aggregate classification (germline): Likely benign. Review status: criteria provided, multiple submitters, no conflicts (2 of 4 stars). 3 submissions from 3 submitters: Likely benign (3). Last evaluated 2024-11-05.

Allele frequency attached by ClinVar (database versions not stated): gnomAD 0.00001; gnomAD exomes 0.00001; ExAC 0.00003; TOPMed 0.00005.
gnomAD v4.1: 23 of 1,612,330 alleles (0.0014%); highest among the groups gnomAD compares: Admixed American, 0.0017%; no homozygotes.

Submissions (3):

Blueprint Genetics
Classification: Likely benign. Last evaluated: 2024-11-05. Review status: criteria provided, single submitter. Criteria: ACMG Guidelines, 2015. Collection method: clinical testing. Allele origin: germline.

CeGaT Center for Human Genetics Tuebingen
Classification: Likely benign. Last evaluated: 2024-01-01. Review status: criteria provided, single submitter. Criteria: CeGaT Center For Human Genetics Tuebingen Variant Classification Criteria Version 2. Collection method: clinical testing. Allele origin: germline. Affected: yes. Observed: 2 variant alleles.
Comment: PLEC: BP4, BP7

Athena Diagnostics
Classification: Likely benign. Last evaluated: 2017-09-22. Review status: criteria provided, single submitter. Criteria: Athena Diagnostics Criteria. Collection method: clinical testing. Allele origin: germline.